The following is an entry in ClinVar:

ClinVar aggregate classification (germline): Uncertain significance (1 of 4 stars; one submission).

Conditions:
Primary dilated cardiomyopathy (DCM). Also called: Dilated Cardiomyopathy. Identifiers: Orphanet 217604, MedGen C0007193, MeSH D002311, MONDO:0005021, HP:0001644. Inheritance: Various modes of inheritance.

Allele frequency attached by ClinVar (database versions not stated): gnomAD 0.00001; ExAC 0.00002; gnomAD exomes 0.00002.
gnomAD v4.1: 7 of 1,592,482 alleles (0.00044%); highest among the groups gnomAD compares: Admixed American, 0.0083%; no homozygotes.

Submission:

Labcorp Genetics (formerly Invitae), Labcorp
Classification: Uncertain significance for Primary dilated cardiomyopathy. Last evaluated: 2021-01-13. Review status: criteria provided, single submitter. Criteria: Invitae Variant Classification Sherloc (09022015). Collection method: clinical testing. Allele origin: germline.
Comment: In summary, the available evidence is currently insufficient to determine the role of this variant in disease. Therefore, it has been classified as a Variant of Uncertain Significance. Nucleotide substitutions within the consensus splice site are a relatively common cause of aberrant splicing (PMID: 17576681, 9536098). Algorithms developed to predict the effect of sequence changes on RNA splicing suggest that this variant is not likely to affect RNA splicing, but this prediction has not been confirmed by published transcriptional studies. This variant has not been reported in the literature in individuals with NEBL-related conditions. The frequency data for this variant in the population databases is considered unreliable, as metrics indicate poor data quality at this position in the ExAC database. This sequence change falls in intron 22 of the NEBL gene. It does not directly change the encoded amino acid sequence of the NEBL protein. It affects a nucleotide within the consensus splice site of the intron.

Literature cited by the submitters: PubMed 17576681; PubMed 9536098.

NM_006393.3(NEBL):c.2241+6T>C

Gene: NEBL (nebulette; minus strand). Cytogenetic location: 10p12.31.
Variant type: single nucleotide variant.
Coding change: c.2241+6T>C on transcript NM_006393.3 (MANE Select); 6 bases into the intron after coding-DNA position 2241, T replaced by C.
Molecular consequence: intron variant.
Genome position (GRCh38, 1-based): chr10:20,815,619, A>G on the plus strand (T>C on the coding strand, the complement: NEBL is on the minus strand). VCF-style: chr10-20815619-A-G. GRCh37 (hg19) VCF-style: chr10-21104548-A-G.
Other names: c.250-2679T>C (NM_001377326.1, NM_001377327.1, NM_001377328.1); c.358-2679T>C (NM_213569.2, NM_001173484.2, NM_001377322.1); c.301-2679T>C (NM_001377324.1); c.292-2679T>C (NM_001377325.1); c.310-2679T>C (NM_001377323.1).
Identifiers: ClinVar variation 1516477 (VCV001516477.6), dbSNP rs757456889, ClinGen allele CA5432562.